The following is an entry in ClinVar:

NM_000419.5(ITGA2B):c.800G>A (p.Gly267Glu)

Gene: ITGA2B (integrin subunit alpha 2b; minus strand). Cytogenetic location: 17q21.31.
Variant type: single nucleotide variant.
Coding change: c.800G>A on transcript NM_000419.5 (MANE Select); coding-DNA position 800, G replaced by A.
Protein change: p.Gly267Glu; replaces glycine 267 with glutamic acid.
Molecular consequence: missense variant.
Genome position (GRCh38, 1-based): chr17:44,384,585, C>T on the plus strand (G>A on the coding strand, the complement: ITGA2B is on the minus strand). VCF-style: chr17-44384585-C-T. GRCh37 (hg19) VCF-style: chr17-42461953-C-T.
Other names: short protein forms G267E.
Identifiers: ClinVar variation 953015 (VCV000953015.10), dbSNP rs2048627164, ClinGen allele CA399805147.

ClinVar aggregate classification (germline): Likely pathogenic. Review status: reviewed by expert panel (3 of 4 stars). 3 submissions from 3 submitters: Likely pathogenic (1). 2 of the submissions do not count toward it. Last evaluated 2024-04-16.

Conditions:
Glanzmann thrombasthenia. Also called: THROMBASTHENIA OF GLANZMANN AND NAEGELI; PLATELET GLYCOPROTEIN IIb-IIIa DEFICIENCY; Glanzmann's thrombasthenia; Thrombasthenia. Identifiers: Orphanet 849, MedGen C0040015, MONDO:0100326.

Submissions (3):

ClinGen Platelet Disorders Variant Curation Expert Panel, ClinGen
Classification: Likely pathogenic for Glanzmann thrombasthenia. Last evaluated: 2024-04-16. Review status: reviewed by expert panel. Criteria: ClinGen Platelet ACMG Specifications v2-1. Collection method: curation. Allele origin: germline. Inheritance: Autosomal recessive inheritance.
Comment: The NM_000419.5:c.800G>A (p.Gly267Glu) missense variant has been reported in at least one compound heterozygous patient (PMID: 12083483) with a phenotype highly specific to GT. Patient DRP of PMID: 12083483 meets the criteria for PP4_Strong; including mucocutaneous bleeding, impaired aggregation with all agonists except ristocetin, and reduced surface expression of αIIbβ3 measured by flow cytometry (PP4_Strong). This patient is compound heterozygous for the variants c.2930del (classified Pathogenic by the Platelet Disorders VCEP) and Gly267Glu (PM3_supporting). It is absent from population databases, including gnomADv4.0.0 (PM2_supporting) and predicted to have a deleterious effect (REVEL score 0.838; PP3). In summary this variant meets criteria to be classified as Likely Pathogenic for GT. GT-specific criteria applied: PM2_Supporting, PM3_Supporting, PP3, and PP4_Strong.

Women's Health and Genetics/Laboratory Corporation of America, LabCorp
Classification: Uncertain significance. Last evaluated: 2026-05-08. Review status: criteria provided, single submitter. Criteria: LabCorp Variant Classification Summary - May 2015. Collection method: clinical testing. Allele origin: germline. Not counted in ClinVar's aggregate classification.
Comment: Variant summary: ITGA2B c.800G>A (p.Gly267Glu) results in a non-conservative amino acid change in the encoded protein sequence. Algorithms developed to predict the effect of missense changes on protein structure and function all suggest that this variant is likely to be disruptive. Consensus agreement among computation tools predict no significant impact on normal splicing. However, these predictions have yet to be confirmed by functional studies. The variant was absent in 251368 control chromosomes. The available data on variant occurrences in the general population are insufficient to allow any conclusion about variant significance. c.800G>A has been observed in a compound heterozygous state in one individual affected with Glanzmann thrombasthenia (Dandrea_2002). These data do not allow any conclusion about variant significance. At least one publication reports experimental evidence evaluating an impact on protein function. The most pronounced variant effect results in reduced protein levels in HEK293 cells (Afrasiabi_2008). The following publications have been ascertained in the context of this evaluation (PMID: 18791937, 12083483). ClinVar contains an entry for this variant (Variation ID: 953015). Based on the evidence outlined above, the variant was classified as uncertain significance.

Labcorp Genetics (formerly Invitae), Labcorp
Classification: Uncertain significance for Glanzmann thrombasthenia. Last evaluated: 2023-09-20. Review status: criteria provided, single submitter. Criteria: Invitae Variant Classification Sherloc (09022015). Collection method: clinical testing. Allele origin: germline. Not counted in ClinVar's aggregate classification.
Comment: Experimental studies have shown that this missense change affects ITGA2B function (PMID: 18791937). An algorithm developed to predict the effect of missense changes on protein structure and function (PolyPhen-2) suggests that this variant is likely to be disruptive. ClinVar contains an entry for this variant (Variation ID: 953015). This variant is also known as p.Gly236Glu. This missense change has been observed in individual(s) with clinical features of Glanzmann thrombasthenia (PMID: 12083483). This variant is not present in population databases (gnomAD no frequency). This sequence change replaces glycine, which is neutral and non-polar, with glutamic acid, which is acidic and polar, at codon 267 of the ITGA2B protein (p.Gly267Glu). In summary, the available evidence is currently insufficient to determine the role of this variant in disease. Therefore, it has been classified as a Variant of Uncertain Significance.

Literature cited by the submitters: PubMed 12083483 (cited by Women's Health and Genetics/Laboratory Corporation of America, LabCorp and Labcorp Genetics (formerly Invitae), Labcorp); PubMed 18791937 (cited by Women's Health and Genetics/Laboratory Corporation of America, LabCorp and Labcorp Genetics (formerly Invitae), Labcorp).